The following is an entry in ClinVar:

ClinVar aggregate classification (germline): Uncertain significance (1 of 4 stars; one submission).

Conditions:
Amyotrophic lateral sclerosis type 1 (ALS1). Also called: AMYOTROPHIC LATERAL SCLEROSIS 1, FAMILIAL. Identifiers: Orphanet 803, MedGen C1862939, MONDO:0007103, OMIM 105400.
Perry syndrome. Also called: PARKINSONISM WITH ALVEOLAR HYPOVENTILATION AND MENTAL DEPRESSION. Identifiers: Orphanet 178509, MedGen C1868594, MONDO:0008201, OMIM 168605.
Neuronopathy, distal hereditary motor, type 7B. Also called: Distal Hereditary Motor Neuronopathy Type 7B (dHMN7B); HMN VIIB; LOWER MOTOR NEURON DISEASE, DYNACTIN TYPE; NEURONOPATHY, DISTAL HEREDITARY MOTOR, AUTOSOMAL DOMINANT 14; NEURONOPATHY, DISTAL HEREDITARY MOTOR, HARDING TYPE VIIB; NEUROPATHY, DISTAL HEREDITARY MOTOR, HARDING TYPE VIIB. Identifiers: Orphanet 139589, MedGen C1843315, MONDO:0011879, OMIM 607641.

Submission:

Labcorp Genetics (formerly Invitae), Labcorp
Classification: Uncertain significance for Amyotrophic lateral sclerosis type 1; Neuronopathy, distal hereditary motor, type 7B; Perry syndrome. Last evaluated: 2019-05-10. Review status: criteria provided, single submitter. Criteria: Invitae Variant Classification Sherloc (09022015). Collection method: clinical testing. Allele origin: germline.
Comment: Nucleotide substitutions within the consensus splice site are a relatively common cause of aberrant splicing (PMID: 17576681, 9536098). Algorithms developed to predict the effect of sequence changes on RNA splicing suggest that this variant is not likely to affect RNA splicing, but this prediction has not been confirmed by published transcriptional studies. In summary, the available evidence is currently insufficient to determine the role of this variant in disease. Therefore, it has been classified as a Variant of Uncertain Significance. This variant has not been reported in the literature in individuals with DCTN1-related disease. ClinVar contains an entry for this variant (Variation ID: 468255). This variant is not present in population databases (ExAC no frequency). This sequence change falls in intron 11 of the DCTN1 gene. It does not directly change the encoded amino acid sequence of the DCTN1 protein, but it affects a nucleotide within the consensus splice site of the intron.

Literature cited by the submitters: PubMed 17576681; PubMed 9536098.

NM_004082.5(DCTN1):c.1127+6G>A

Gene: DCTN1 (dynactin subunit 1; minus strand). Cytogenetic location: 2p13.1.
Variant type: single nucleotide variant.
Coding change: c.1127+6G>A on transcript NM_004082.5 (MANE Select); 6 bases into the intron after coding-DNA position 1127, G replaced by A.
Molecular consequence: intron variant.
Genome position (GRCh38, 1-based): chr2:74,370,460, C>T on the plus strand (G>A on the coding strand, the complement: DCTN1 is on the minus strand). VCF-style: chr2-74370460-C-T. GRCh37 (hg19) VCF-style: chr2-74597587-C-T.
Other names: c.1016+6G>A (NM_001190836.2); c.1058+6G>A (NM_001378992.1); c.1076+6G>A (NM_001378991.1); c.1067+6G>A (NM_001135040.3); c.1106+6G>A (NM_001190837.2); c.725+6G>A (NM_001135041.3, NM_023019.4).
Identifiers: ClinVar variation 468255 (VCV000468255.11), dbSNP rs951022782, ClinGen allele CA658657045.
Genomic context (GRCh38, chr2:74,370,460, plus strand): 5'-GATGGGTGCTCTAACACATTTGGAGACACAAGAGTAAGCATCAGAGGCAAGCACTGAAGA[C>T]CCTACCTCACCAGGGCATCCTTCAGGCGGGCATTCTGCTCCTCAAGCTGCTTGAGCTGAT-3'